The following is an entry in ClinVar:

ClinVar aggregate classification (germline): Uncertain significance. Review status: criteria provided, multiple submitters, no conflicts (2 of 4 stars). 4 submissions from 4 submitters: Uncertain significance (4). Last evaluated 2026-07-01.

Conditions:
Inborn genetic diseases. Identifiers: MedGen C0950123, MeSH D030342.
Malignant hyperthermia, susceptibility to, 1 (MHS1). Also called: Anesthesia related hyperthermia; Malignant hyperpyrexia; Fulminating hyperpyrexia; Pharmacogenic myopathy; Malignant hyperthermia suceptibility 1; RYR1-Related Malignant Hyperthermia Susceptibility. Identifiers: Orphanet 423, MedGen C2930980, MONDO:0007783, OMIM 145600.
RYR1-related disorder. Also called: RYR1-related condition; RYR1-related disorders. Identifiers: MedGen CN239331.

Allele frequency attached by ClinVar (database versions not stated): gnomAD exomes below 0.00001 and 0.00002; gnomAD 0.00001.
gnomAD v4.1: 5 of 1,420,068 alleles (0.00035%); highest among the groups gnomAD compares: Admixed American, 0.003%; no homozygotes.

Submissions (4):

Ambry Genetics
Classification: Uncertain significance for Inborn genetic diseases. Last evaluated: 2026-07-01. Review status: criteria provided, single submitter. Criteria: Ambry Variant Classification Scheme 2023. Collection method: clinical testing. Allele origin: germline.
Comment: The p.M4457R variant (also known as c.13370T>G), located in coding exon 91 of the RYR1 gene, results from a T to G substitution at nucleotide position 13370. The methionine at codon 4457 is replaced by arginine, an amino acid with similar properties. This amino acid position is conserved. In addition, the in silico prediction for this alteration is inconclusive. Based on the available evidence, the clinical significance of this variant remains unclear.

Labcorp Genetics (formerly Invitae), Labcorp
Classification: Uncertain significance for RYR1-related disorder. Last evaluated: 2025-01-08. Review status: criteria provided, single submitter. Criteria: Invitae Variant Classification Sherloc (09022015). Collection method: clinical testing. Allele origin: germline.
Comment: This sequence change replaces methionine, which is neutral and non-polar, with arginine, which is basic and polar, at codon 4457 of the RYR1 protein (p.Met4457Arg). This variant is present in population databases (no rsID available, gnomAD 0.006%). This variant has not been reported in the literature in individuals affected with RYR1-related conditions. ClinVar contains an entry for this variant (Variation ID: 979088). Invitae Evidence Modeling of protein sequence and biophysical properties (such as structural, functional, and spatial information, amino acid conservation, physicochemical variation, residue mobility, and thermodynamic stability) indicates that this missense variant is not expected to disrupt RYR1 protein function with a negative predictive value of 80%. In summary, the available evidence is currently insufficient to determine the role of this variant in disease. Therefore, it has been classified as a Variant of Uncertain Significance.

Revvity Omics, Revvity
Classification: Uncertain significance. Last evaluated: 2022-08-02. Review status: criteria provided, single submitter. Criteria: ACMG Guidelines, 2015. Collection method: clinical testing. Allele origin: germline.

Human Genome Sequencing Center Clinical Lab, Baylor College of Medicine
Classification: Uncertain significance for Malignant hyperthermia suceptibility 1. Review status: criteria provided, single submitter. Criteria: ACMG Guidelines, 2015. Collection method: clinical testing. Allele origin: germline.

NM_000540.3(RYR1):c.13370T>G (p.Met4457Arg)

Gene: RYR1 (ryanodine receptor 1; plus strand). Cytogenetic location: 19q13.2.
Variant type: single nucleotide variant.
Coding change: c.13370T>G on transcript NM_000540.3 (MANE Select); coding-DNA position 13370, T replaced by G.
Protein change: p.Met4457Arg; replaces methionine 4457 with arginine.
Molecular consequence: missense variant.
Genome position (GRCh38, 1-based): chr19:38,565,704, T>G. VCF-style: chr19-38565704-T-G. GRCh37 (hg19) VCF-style: chr19-39056344-T-G.
Other names: c.13355T>G, p.Met4452Arg (NM_001042723.2); short protein forms M4452R, M4457R.
Identifiers: ClinVar variation 979088 (VCV000979088.10), dbSNP rs1394722307, ClinGen allele CA405675292.